The following is an entry in ClinVar:

NM_000090.4(COL3A1):c.2723C>T (p.Ala908Val)

Gene: COL3A1 (collagen type III alpha 1 chain; plus strand). Cytogenetic location: 2q32.2.
Variant type: single nucleotide variant.
Coding change: c.2723C>T on transcript NM_000090.4 (MANE Select); coding-DNA position 2723, C replaced by T.
Protein change: p.Ala908Val; replaces alanine 908 with valine.
Molecular consequence: missense variant.
Genome position (GRCh38, 1-based): chr2:189,004,043, C>T. VCF-style: chr2-189004043-C-T. GRCh37 (hg19) VCF-style: chr2-189868769-C-T.
Other names: short protein forms A908V.
Identifiers: ClinVar variation 333063 (VCV000333063.70), dbSNP rs144036995, ClinGen allele CA075559.

ClinVar aggregate classification (germline): Conflicting classifications of pathogenicity. Review status: criteria provided, conflicting classifications (1 of 4 stars). 11 submissions from 11 submitters: Uncertain significance (8); Benign (1); Likely benign (1). 1 of the submissions does not count toward it. Last evaluated 2026-09-01.

Conditions:
Ehlers-Danlos syndrome (EDS). Identifiers: Orphanet 98249, MedGen C0013720, MONDO:0020066.
Ehlers-Danlos syndrome, type 4 (EDSVASC). Also called: Ehlers-Danlos Syndrome Type IV; Ehlers-Danlos syndrome vascular type; Ehlers Danlos syndrome, ecchymotic type; Ehlers Danlos syndrome, arterial type; Ehlers Danlos syndrome, Sack-Barabas type. Identifiers: Orphanet 286, MedGen C0268338, MONDO:0017314, OMIM 130050.
COL3A1-related disorder. Also called: COL3A1-related condition.
Familial thoracic aortic aneurysm and aortic dissection (TAAD). Also called: Thoracic aortic aneurysms and dissections. Identifiers: Orphanet 91387, MedGen C4707243, MONDO:0019625.

Allele frequency attached by ClinVar (database versions not stated): ESP Exome Variant Server 0.00023; TOPMed 0.00003.
gnomAD v4.1: 53 of 1,612,970 alleles (0.0033%); highest among the groups gnomAD compares: Admixed American, 0.0083%; no homozygotes.

Submissions (11):

GeneDx
Classification: Uncertain significance. Last evaluated: 2026-09-01. Review status: criteria provided, single submitter. Criteria: GeneDx Variant Classification Process June 2021. Collection method: clinical testing. Allele origin: germline.
Comment: Has not been previously published in association with a connective tissue disorder phenotype to our knowledge; In silico analysis suggests that this missense variant does not alter protein structure/function; Occurs in the triple helical domain at the Y position in the canonical Gly-X-Y repeat. Although this variant may have an effect on normal protein folding and function, missense substitution at the Y position is not a common mechanism of disease (HGMD); This variant is associated with the following publications: (PMID: 24121792)

Women's Health and Genetics/Laboratory Corporation of America, LabCorp
Classification: Uncertain significance. Last evaluated: 2025-11-25. Review status: criteria provided, single submitter. Criteria: LabCorp Variant Classification Summary - May 2015. Collection method: clinical testing. Allele origin: germline.
Comment: Variant summary: COL3A1 c.2723C>T (p.Ala908Val) results in a non-conservative amino acid change in the encoded protein sequence. Algorithms developed to predict the effect of missense changes on protein structure and function are either unavailable or do not agree on the potential impact of this missense change. The variant allele was found at a frequency of 5.2e-05 in 250142 control chromosomes. This frequency is not significantly higher than estimated for disease-causing variants in COL3A1, allowing no conclusion about variant significance. To our knowledge, no occurrence of c.2723C>T in individuals affected with COL3A1-related conditions and no experimental evidence demonstrating its impact on protein function have been reported. ClinVar contains an entry for this variant (Variation ID: 333063). Based on the evidence outlined above, the variant was classified as uncertain significance.

Labcorp Genetics (formerly Invitae), Labcorp
Classification: Uncertain significance for Ehlers-Danlos syndrome, type 4. Last evaluated: 2024-10-02. Review status: criteria provided, single submitter. Criteria: Invitae Variant Classification Sherloc (09022015). Collection method: clinical testing. Allele origin: germline.
Comment: This sequence change replaces alanine, which is neutral and non-polar, with valine, which is neutral and non-polar, at codon 908 of the COL3A1 protein (p.Ala908Val). The frequency data for this variant in the population databases is considered unreliable, as metrics indicate poor data quality at this position in the gnomAD database. This variant has not been reported in the literature in individuals affected with COL3A1-related conditions. ClinVar contains an entry for this variant (Variation ID: 333063). Invitae Evidence Modeling of protein sequence and biophysical properties (such as structural, functional, and spatial information, amino acid conservation, physicochemical variation, residue mobility, and thermodynamic stability) indicates that this missense variant is not expected to disrupt COL3A1 protein function with a negative predictive value of 95%. In summary, the available evidence is currently insufficient to determine the role of this variant in disease. Therefore, it has been classified as a Variant of Uncertain Significance.

All of Us Research Program, National Institutes of Health
Classification: Uncertain significance for Ehlers-Danlos syndrome, type 4. Last evaluated: 2024-09-23. Review status: criteria provided, single submitter. Criteria: ACMG Guidelines, 2015. Collection method: clinical testing. Allele origin: germline. Inheritance: Autosomal dominant inheritance. Observed: 19 variant alleles, 19 heterozygotes.
Comment: This missense variant replaces alanine with valine at codon 908 of the COL3A1 protein. Computational prediction suggests that this variant may not impact protein structure and function (internally defined REVEL score threshold <= 0.5, PMID: 27666373). To our knowledge, functional studies have not been reported for this variant. This variant has not been reported in individuals affected with cardiovascular disorders in the literature. This variant has not been identified in the general population by the Genome Aggregation Database (gnomAD). The available evidence is insufficient to determine the role of this variant in disease conclusively. Therefore, this variant is classified as a Variant of Uncertain Significance.

This study involves interpretation of variants in research participants for the purpose of population health screening. Participant phenotype was not available at the time of variant classification. Additional details can be found in publication PMID: 35346344, PMCID: PMC8962531

Color Diagnostics, LLC DBA Color Health
Classification: Uncertain significance for Familial thoracic aortic aneurysm and aortic dissection. Last evaluated: 2024-04-24. Review status: criteria provided, single submitter. Criteria: ACMG Guidelines, 2015. Collection method: clinical testing. Allele origin: germline.
Comment: This missense variant replaces alanine with valine at codon 908 of the COL3A1 protein. Computational prediction tools indicate that this variant has a neutral impact on protein structure and function. To our knowledge, functional studies have not been reported for this variant. This variant has not been reported in individuals affected with COL3A1-related disorders in the literature. This variant has been identified in 13/250142 chromosomes in the general population by the Genome Aggregation Database (gnomAD). The available evidence is insufficient to determine the role of this variant in disease conclusively. Therefore, this variant is classified as a Variant of Uncertain Significance.

Ambry Genetics
Classification: Likely benign for Familial thoracic aortic aneurysm and aortic dissection. Last evaluated: 2023-11-13. Review status: criteria provided, single submitter. Criteria: Ambry Variant Classification Scheme 2023. Collection method: clinical testing. Allele origin: germline.

CHEO Genetics Diagnostic Laboratory, Children's Hospital of Eastern Ontario
Classification: Uncertain significance for Familial thoracic aortic aneurysm and aortic dissection. Last evaluated: 2022-02-14. Review status: criteria provided, single submitter. Criteria: ACMG Guidelines, 2015. Collection method: clinical testing. Allele origin: germline.

Genome Diagnostics Laboratory, The Hospital for Sick Children
Classification: Uncertain significance for Ehlers-Danlos syndrome. Last evaluated: 2021-11-15. Review status: criteria provided, single submitter. Criteria: ACMG Guidelines, 2015. Collection method: clinical testing. Allele origin: germline.

CeGaT Center for Human Genetics Tuebingen
Classification: Uncertain significance. Last evaluated: 2019-02-01. Review status: criteria provided, single submitter. Criteria: CeGaT Center For Human Genetics Tuebingen Variant Classification Criteria Version 2. Collection method: clinical testing. Allele origin: germline. Affected: yes. Observed: 1 variant allele.

Illumina Laboratory Services, Illumina
Classification: Benign for Ehlers-Danlos syndrome, type 4. Last evaluated: 2018-01-13. Review status: criteria provided, single submitter. Criteria: ICSL Variant Classification Criteria 13 December 2019. Collection method: clinical testing. Allele origin: germline.
Comment: This variant was observed in the ICSL laboratory as part of a predisposition screen in an ostensibly healthy population. It had not been previously curated by ICSL or reported in the Human Gene Mutation Database (HGMD: prior to June 1st, 2018), and was therefore a candidate for classification through an automated scoring system. Utilizing variant allele frequency, disease prevalence and penetrance estimates, and inheritance mode, an automated score was calculated to assess if this variant is too frequent to cause the disease. Based on the score and internal cut-off values, a variant classified as benign is not then subjected to further curation. The score for this variant resulted in a classification of benign for this disease.

PreventionGenetics, part of Exact Sciences
Classification: Likely benign for COL3A1-related condition. Last evaluated: 2024-08-22. Review status: no assertion criteria provided. Collection method: clinical testing. Allele origin: germline. Not counted in ClinVar's aggregate classification.
Comment: This variant is classified as likely benign based on ACMG/AMP sequence variant interpretation guidelines (Richards et al. 2015 PMID: 25741868, with internal and published modifications).